The following is an entry in ClinVar:

ClinVar aggregate classification (germline): Pathogenic (1 of 4 stars; one submission).

Conditions:
DICER1-related tumor predisposition. Also called: DICER1-related pleuropulmonary blastoma cancer predisposition syndrome; DICER1 syndrome. Identifiers: Orphanet 284343, MedGen C3839822, MONDO:0100216.

Submission:

Foulkes Cancer Genetics LDI, Lady Davis Institute for Medical Research
Classification: Pathogenic for Pleuropulmonary blastoma. Last evaluated: 2019-07-01. Review status: criteria provided, single submitter. Criteria: ACMG Guidelines, 2015. Collection method: curation. Allele origin: somatic. Affected: yes. Observed: 1 variant allele.
Comment: ACMG criteria met: PS3, PM1, PM2, PM7, PP3, PP4, BP1

Literature cited by the submitters: PubMed 26033159.

NM_177438.3(DICER1):c.5115A>C (p.Glu1705Asp)

Gene: DICER1 (dicer 1, ribonuclease III; minus strand). Cytogenetic location: 14q32.13.
Variant type: single nucleotide variant.
Coding change: c.5115A>C on transcript NM_177438.3 (MANE Select); coding-DNA position 5115, A replaced by C.
Protein change: p.Glu1705Asp; replaces glutamic acid 1705 with aspartic acid.
Molecular consequence: missense variant.
Genome position (GRCh38, 1-based): chr14:95,094,137, T>G on the plus strand (A>C on the coding strand, the complement: DICER1 is on the minus strand). VCF-style: chr14-95094137-T-G. GRCh37 (hg19) VCF-style: chr14-95560474-T-G.
Other names: c.5115A>C, p.Glu1705Asp (NM_001291628.2, NM_030621.4, NM_001195573.1 and 1 more transcripts); short protein forms E1705D.
Identifiers: ClinVar variation 932990 (VCV000932990.3), dbSNP rs1890100882, ClinGen allele CA390865415.